The following is an entry in ClinVar:

NM_001830.4(CLCN4):c.144+6T>A

Gene: CLCN4 (chloride voltage-gated channel 4; plus strand). Cytogenetic location: Xp22.2.
Variant type: single nucleotide variant.
Coding change: c.144+6T>A on transcript NM_001830.4 (MANE Select); 6 bases into the intron after coding-DNA position 144, T replaced by A.
Molecular consequence: intron variant.
Genome position (GRCh38, 1-based): chrX:10,185,182, T>A. VCF-style: chrX-10185182-T-A. GRCh37 (hg19) VCF-style: chrX-10153222-T-A.
Other names: c.-38-9729T>A (NM_001256944.2).
Identifiers: ClinVar variation 390250 (VCV000390250.4), dbSNP rs1057523693, ClinGen allele CA16608666.

ClinVar aggregate classification (germline): Conflicting classifications of pathogenicity. Review status: criteria provided, conflicting classifications (1 of 4 stars). 2 submissions from 2 submitters: Uncertain significance (1); Likely benign (1). Last evaluated 2024-09-23.

Allele frequency attached by ClinVar (database versions not stated): gnomAD exomes below 0.00001; TOPMed 0.00001.
gnomAD v4.1: 2 of 1,190,630 alleles (0.00017%); highest among the groups gnomAD compares: Admixed American, 0.0046%; no homozygotes.

Submissions (2):

Labcorp Genetics (formerly Invitae), Labcorp
Classification: Uncertain significance. Last evaluated: 2024-09-23. Review status: criteria provided, single submitter. Criteria: Invitae Variant Classification Sherloc (09022015). Collection method: clinical testing. Allele origin: germline.
Comment: This sequence change falls in intron 3 of the CLCN4 gene. It does not directly change the encoded amino acid sequence of the CLCN4 protein. It affects a nucleotide within the consensus splice site. This variant is not present in population databases (gnomAD no frequency). This variant has not been reported in the literature in individuals affected with CLCN4-related conditions. ClinVar contains an entry for this variant (Variation ID: 390250). Variants that disrupt the consensus splice site are a relatively common cause of aberrant splicing (PMID: 17576681, 9536098). Algorithms developed to predict the effect of sequence changes on RNA splicing suggest that this variant is not likely to affect RNA splicing. In summary, the available evidence is currently insufficient to determine the role of this variant in disease. Therefore, it has been classified as a Variant of Uncertain Significance.

GeneDx
Classification: Likely benign. Last evaluated: 2016-11-02. Review status: criteria provided, single submitter. Criteria: GeneDx Variant Classification (06012015). Collection method: clinical testing. Allele origin: germline. Affected: yes.
Comment: This variant is considered likely benign or benign based on one or more of the following criteria: it is a conservative change, it occurs at a poorly conserved position in the protein, it is predicted to be benign by multiple in silico algorithms, and/or has population frequency not consistent with disease.

Literature cited by the submitters: PubMed 17576681 (cited by Labcorp Genetics (formerly Invitae), Labcorp); PubMed 9536098 (cited by Labcorp Genetics (formerly Invitae), Labcorp).